The following is an entry in ClinVar:

ClinVar aggregate classification (germline): Uncertain significance. Review status: criteria provided, multiple submitters, no conflicts (2 of 4 stars). 4 submissions from 4 submitters: Uncertain significance (4). Last evaluated 2025-07-21.

Conditions:
Hereditary cancer-predisposing syndrome. Also called: Neoplastic Syndromes, Hereditary; Tumor predisposition; Hereditary Cancer Syndrome; Hereditary neoplastic syndrome. Identifiers: Orphanet 140162, MedGen C0027672, MeSH D009386, MONDO:0015356.
Familial adenomatous polyposis 1 (FAP1). Also called: FAMILIAL ADENOMATOUS POLYPOSIS 1, ATTENUATED; POLYPOSIS, ADENOMATOUS INTESTINAL. Identifiers: MedGen C2713442, MONDO:0021056, OMIM 175100. Disease mechanism: loss of function.

Allele frequency attached by ClinVar (database versions not stated): gnomAD exomes below 0.00001.
gnomAD v4.1: 1 of 1,613,888 alleles (0.000062%); highest among the groups gnomAD compares: Non-Finnish European, 0.000085%; no homozygotes.

Submissions (4):

Labcorp Genetics (formerly Invitae), Labcorp
Classification: Uncertain significance for Familial adenomatous polyposis 1. Last evaluated: 2025-07-21. Review status: criteria provided, single submitter. Criteria: Invitae Variant Classification Sherloc (09022015). Collection method: clinical testing. Allele origin: germline.
Comment: This sequence change replaces alanine, which is neutral and non-polar, with valine, which is neutral and non-polar, at codon 2634 of the APC protein (p.Ala2634Val). This variant is present in population databases (no rsID available, gnomAD 0.0009%). This variant has not been reported in the literature in individuals affected with APC-related conditions. ClinVar contains an entry for this variant (Variation ID: 482416). Invitae Evidence Modeling of protein sequence and biophysical properties (such as structural, functional, and spatial information, amino acid conservation, physicochemical variation, residue mobility, and thermodynamic stability) indicates that this missense variant is not expected to disrupt APC protein function with a negative predictive value of 95%. In summary, the available evidence is currently insufficient to determine the role of this variant in disease. Therefore, it has been classified as a Variant of Uncertain Significance.

Baylor Genetics
Classification: Uncertain significance for Familial adenomatous polyposis 1. Last evaluated: 2023-08-03. Review status: criteria provided, single submitter. Criteria: ACMG Guidelines, 2015. Collection method: clinical testing. Allele origin: unknown.

Color Diagnostics, LLC DBA Color Health
Classification: Uncertain significance for Hereditary cancer-predisposing syndrome. Last evaluated: 2019-05-30. Review status: criteria provided, single submitter. Criteria: ACMG Guidelines, 2015. Collection method: clinical testing. Allele origin: germline.

Ambry Genetics
Classification: Uncertain significance for Hereditary cancer-predisposing syndrome. Last evaluated: 2016-10-11. Review status: criteria provided, single submitter. Criteria: Ambry Variant Classification Scheme 2023. Collection method: clinical testing. Allele origin: germline.
Comment: The p.A2634V variant (also known as c.7901C>T), located in coding exon 15 of the APC gene, results from a C to T substitution at nucleotide position 7901. The alanine at codon 2634 is replaced by valine, an amino acid with similar properties. This variant was not reported in population based cohorts in the following databases: Database of Single Nucleotide Polymorphisms (dbSNP), NHLBI Exome Sequencing Project (ESP), and 1000 Genomes Project. In the ESP, this variant was not observed in 6500 samples (13000 alleles) with coverage at this position. To date, this alteration has been detected with an allele frequency of approximately 0.001% (greater than 90000 alleles tested) in our clinical cohort. This amino acid position is well conserved in available vertebrate species. In addition, in silico predictors for this gene do not accurately predict pathogenicity. Since supporting evidence is limited at this time, the clinical significance of this alteration remains unclear.

NM_000038.6(APC):c.7901C>T (p.Ala2634Val)

Gene: APC (APC regulator of Wnt signaling pathway; plus strand). Cytogenetic location: 5q22.2.
Variant type: single nucleotide variant.
Coding change: c.7901C>T on transcript NM_000038.6 (MANE Select); coding-DNA position 7901, C replaced by T.
Protein change: p.Ala2634Val; replaces alanine 2634 with valine.
Molecular consequence: missense variant.
Genome position (GRCh38, 1-based): chr5:112,843,495, C>T. VCF-style: chr5-112843495-C-T. GRCh37 (hg19) VCF-style: chr5-112179192-C-T.
Other names: c.7901C>T, p.Ala2634Val (NM_001127510.3, NM_001354895.2); c.7847C>T, p.Ala2616Val (NM_001127511.3); c.7955C>T, p.Ala2652Val (NM_001354896.2); c.7931C>T, p.Ala2644Val (NM_001354897.2); c.7826C>T, p.Ala2609Val (NM_001354898.2); c.7817C>T, p.Ala2606Val (NM_001354899.2); c.7778C>T, p.Ala2593Val (NM_001354900.2); c.7724C>T, p.Ala2575Val (NM_001354901.2); and 5 more; short protein forms A2616V, A2634V, A2474V, A2543V, A2575V, A2644V, A2652V, A2351V.
Identifiers: ClinVar variation 482416 (VCV000482416.14), dbSNP rs1245135729, ClinGen allele CA16038494.
Genomic context (GRCh38, chr5:112,843,495, plus strand): 5'-AAATAAAAGAAAATGAATTTTCTCCCACAAATAGTACTTCTCAGACCGTTTCCTCAGGTG[C>T]TACAAATGGTGCTGAATCAAAGACTCTAATTTATCAAATGGCACCTGCTGTTTCTAAAAC-3'
Protein context (NP_000029.2, residues 2624-2644): NSTSQTVSSG[Ala2634Val]TNGAESKTLI